The following is an entry in ClinVar:

NM_147686.4(TRAF3IP2):c.691C>T (p.Leu231Phe)

Genes: TRAF3IP2 (TRAF3 interacting protein 2; minus strand), TRAF3IP2-AS1 (TRAF3IP2 antisense RNA 1; plus strand), LOC114803478 (TRAF3IP2 eExon liver enhancer; plus strand). Cytogenetic location: 6q21.
Variant type: single nucleotide variant.
Coding change: c.691C>T on transcript NM_147686.4 (MANE Select); coding-DNA position 691, C replaced by T.
Protein change: p.Leu231Phe; replaces leucine 231 with phenylalanine.
Molecular consequence: missense variant.
Genome position (GRCh38, 1-based): chr6:111,591,396, G>A on the plus strand (C>T on the coding strand, the complement: TRAF3IP2 is on the minus strand). VCF-style: chr6-111591396-G-A. GRCh37 (hg19) VCF-style: chr6-111912599-G-A.
Other names: c.691C>T, p.Leu231Phe (NM_001164281.3); c.718C>T, p.Leu240Phe (NM_147200.3); short protein forms L231F, L240F.
Identifiers: ClinVar variation 573542 (VCV000573542.6), dbSNP rs149860754, ClinGen allele CA3963276.

ClinVar aggregate classification (germline): Uncertain significance (1 of 4 stars; one submission).

Conditions:
Candidiasis, familial, 8 (CANDF8). Identifiers: Orphanet 1334, MedGen C3714992, MONDO:0014230, OMIM 615527.

Allele frequency attached by ClinVar (database versions not stated): gnomAD 0.00010; ESP Exome Variant Server 0.00031; TOPMed 0.00031.
gnomAD v4.1: 480 of 1,549,360 alleles (0.031%); highest among the groups gnomAD compares: Non-Finnish European, 0.04%; no homozygotes.

Submission:

Labcorp Genetics (formerly Invitae), Labcorp
Classification: Uncertain significance for Candidiasis, familial, 8. Last evaluated: 2022-10-17. Review status: criteria provided, single submitter. Criteria: Invitae Variant Classification Sherloc (09022015). Collection method: clinical testing. Allele origin: germline.
Comment: This sequence change replaces leucine, which is neutral and non-polar, with phenylalanine, which is neutral and non-polar, at codon 231 of the TRAF3IP2 protein (p.Leu231Phe). This variant is present in population databases (rs149860754, gnomAD 0.06%). This missense change has been observed in individual(s) with psoriatic arthritis (PMID: 22513239). ClinVar contains an entry for this variant (Variation ID: 573542). Advanced modeling of protein sequence and biophysical properties (such as structural, functional, and spatial information, amino acid conservation, physicochemical variation, residue mobility, and thermodynamic stability) performed at Invitae indicates that this missense variant is not expected to disrupt TRAF3IP2 protein function. Experimental studies have shown that this missense change does not substantially affect TRAF3IP2 function (PMID: 22513239). In summary, the available evidence is currently insufficient to determine the role of this variant in disease. Therefore, it has been classified as a Variant of Uncertain Significance.

Literature cited by the submitters: PubMed 22513239.